The following is an entry in ClinVar:

ClinVar aggregate classification (germline): Uncertain significance (1 of 4 stars; one submission).

Conditions:
Noonan syndrome 8 (NS8). Identifiers: Orphanet 648, MedGen C3809233, MONDO:0014143, OMIM 615355.

Submission:

Labcorp Genetics (formerly Invitae), Labcorp
Classification: Uncertain significance for Noonan syndrome 8. Last evaluated: 2024-03-19. Review status: criteria provided, single submitter. Criteria: Invitae Variant Classification Sherloc (09022015). Collection method: clinical testing. Allele origin: germline.
Comment: This sequence change replaces glycine, which is neutral and non-polar, with tryptophan, which is neutral and slightly polar, at codon 17 of the RIT1 protein (p.Gly17Trp). This variant is not present in population databases (gnomAD no frequency). This variant has not been reported in the literature in individuals affected with RIT1-related conditions. Advanced modeling of protein sequence and biophysical properties (such as structural, functional, and spatial information, amino acid conservation, physicochemical variation, residue mobility, and thermodynamic stability) performed at Invitae indicates that this missense variant is not expected to disrupt RIT1 protein function with a negative predictive value of 95%. In summary, the available evidence is currently insufficient to determine the role of this variant in disease. Therefore, it has been classified as a Variant of Uncertain Significance.

NM_006912.6(RIT1):c.49G>T (p.Gly17Trp)

Gene: RIT1 (Ras like without CAAX 1; minus strand). Cytogenetic location: 1q22.
Variant type: single nucleotide variant.
Coding change: c.49G>T on transcript NM_006912.6 (MANE Select); coding-DNA position 49, G replaced by T.
Protein change: p.Gly17Trp; replaces glycine 17 with tryptophan.
Molecular consequence: missense variant. On other transcripts: intron variant (1).
Genome position (GRCh38, 1-based): chr1:155,910,713, C>A on the plus strand (G>T on the coding strand, the complement: RIT1 is on the minus strand). VCF-style: chr1-155910713-C-A. GRCh37 (hg19) VCF-style: chr1-155880504-C-A.
Other names: c.100G>T, p.Gly34Trp (NM_001256821.2); c.-2-207G>T (NM_001256820.2); short protein forms G34W, G17W.
Identifiers: ClinVar variation 3633620 (VCV003633620.2).